The following is an entry in ClinVar:

NM_007078.3(LDB3):c.461C>T (p.Ser154Leu)

Gene: LDB3 (LIM domain binding 3; plus strand). Cytogenetic location: 10q23.2.
Variant type: single nucleotide variant.
Coding change: c.461C>T on transcript NM_007078.3 (MANE Select); coding-DNA position 461, C replaced by T.
Protein change: p.Ser154Leu; replaces serine 154 with leucine.
Molecular consequence: missense variant. On other transcripts: intron variant (5).
Genome position (GRCh38, 1-based): chr10:86,681,575, C>T. VCF-style: chr10-86681575-C-T. GRCh37 (hg19) VCF-style: chr10-88441332-C-T.
Other names: c.461C>T, p.Ser154Leu (NM_001080115.2, NM_001171610.2, NM_001171611.2 and 3 more transcripts); c.321+1418C>T (NM_001368068.1, NM_001368066.1, NM_001080114.2 and 2 more transcripts); short protein forms S154L.
Identifiers: ClinVar variation 4693772 (VCV004693772.1).

ClinVar aggregate classification (germline): Uncertain significance (1 of 4 stars; one submission).

Conditions:
Myofibrillar myopathy 4. Also called: Zaspopathy (type). Identifiers: Orphanet 98912, MedGen C4721886, MONDO:0012277, OMIM 609452.

gnomAD v4.1: 14 of 1,612,924 alleles (0.00087%); highest among the groups gnomAD compares: South Asian, 0.015%; no homozygotes.

Submission:

Labcorp Genetics (formerly Invitae), Labcorp
Classification: Uncertain significance for Myofibrillar myopathy 4. Last evaluated: 2025-02-02. Review status: criteria provided, single submitter. Criteria: Invitae Variant Classification Sherloc (09022015). Collection method: clinical testing. Allele origin: germline.
Comment: The LDB3 gene has multiple clinically relevant transcripts. This variant occurs in alternate transcript NM_007078.3, and corresponds to NM_001080116.1:c.321+1418C>T in the primary transcript. This sequence change replaces serine, which is neutral and polar, with leucine, which is neutral and non-polar, at codon 154 of the LDB3 protein (p.Ser154Leu). This variant is present in population databases (no rsID available, gnomAD 0.007%). This variant has not been reported in the literature in individuals affected with LDB3-related conditions. Experimental studies and prediction algorithms are not available or were not evaluated, and the functional significance of this variant is currently unknown. In summary, the available evidence is currently insufficient to determine the role of this variant in disease. Therefore, it has been classified as a Variant of Uncertain Significance.